The following is an entry in ClinVar:

NM_017775.4(TTC19):c.*226T>C

Gene: TTC19 (tetratricopeptide repeat domain 19; plus strand). Cytogenetic location: 17p12.
Variant type: single nucleotide variant.
Coding change: c.*226T>C on transcript NM_017775.4 (MANE Select); 226 bases downstream of the stop codon, T replaced by C.
Molecular consequence: 3 prime UTR variant.
Genome position (GRCh38, 1-based): chr17:16,027,748, T>C. VCF-style: chr17-16027748-T-C. GRCh37 (hg19) VCF-style: chr17-15931062-T-C.
Other names: c.*226T>C (NM_001271420.2).
Identifiers: ClinVar variation 891500 (VCV000891500.6), dbSNP rs73981412, ClinGen allele CA8407645.

ClinVar aggregate classification (germline): Benign/Likely benign. Review status: criteria provided, multiple submitters, no conflicts (2 of 4 stars). 3 submissions from 3 submitters: Benign (1); Likely benign (2). Last evaluated 2021-10-08.

Conditions:
Mitochondrial complex III deficiency nuclear type 2. Identifiers: MedGen C3554605, MONDO:0014063, OMIM 615157.

Allele frequency attached by ClinVar (database versions not stated): gnomAD exomes 0.00242 and 0.00366; ExAC 0.00453; 1000 Genomes Project 0.01837; gnomAD 0.01847 and 0.01995; TOPMed 0.02119; 1000 Genomes Project 30x 0.02155.
gnomAD v4.1: 3,942 of 606,076 alleles (0.65%); highest among the groups gnomAD compares: African/African-American, 6.5%; 121 homozygotes.

Submissions (3):

Fulgent Genetics
Classification: Likely benign for Mitochondrial complex III deficiency nuclear type 2. Last evaluated: 2021-10-08. Review status: criteria provided, single submitter. Criteria: ACMG Guidelines, 2015. Collection method: clinical testing. Allele origin: unknown.

GeneDx
Classification: Benign. Last evaluated: 2018-06-14. Review status: criteria provided, single submitter. Criteria: GeneDx Variant Classification Process June 2021. Collection method: clinical testing. Allele origin: germline. Affected: yes.

Illumina Laboratory Services, Illumina
Classification: Likely benign for Mitochondrial complex III deficiency nuclear type 2. Last evaluated: 2017-04-27. Review status: criteria provided, single submitter. Criteria: ICSL Variant Classification Criteria 13 December 2019. Collection method: clinical testing. Allele origin: germline.
Comment: This variant was observed as part of a predisposition screen in an ostensibly healthy population. A literature search was performed for the gene, cDNA change, and amino acid change (where applicable). No publications were found based on this search. Allele frequency data from public databases allowed determination this variant is unlikely to cause disease. Therefore, this variant is classified as likely benign.